The following is an entry in ClinVar:

ClinVar aggregate classification (germline): Likely benign. Review status: criteria provided, multiple submitters, no conflicts (2 of 4 stars). 2 submissions from 2 submitters: Likely benign (2). Last evaluated 2025-09-08.

Conditions:
TRPM1-related disorder. Also called: TRPM1-related condition.

Allele frequency attached by ClinVar (database versions not stated): gnomAD exomes 0.00001; ExAC 0.00002; gnomAD 0.00003; TOPMed 0.00003; ESP Exome Variant Server 0.00008.
gnomAD v4.1: 4 of 1,614,148 alleles (0.00025%); highest among the groups gnomAD compares: African/African-American, 0.0053%; no homozygotes.

Submissions (2):

PreventionGenetics, part of Exact Sciences
Classification: Likely benign for TRPM1-related condition. Last evaluated: 2025-09-08. Review status: criteria provided, single submitter. Criteria: ACMG Guidelines, 2015. Collection method: clinical testing. Allele origin: germline.
Comment: This variant is classified as likely benign based on ACMG/AMP sequence variant interpretation guidelines (Richards et al. 2015 PMID: 25741868, with internal and published modifications).

Labcorp Genetics (formerly Invitae), Labcorp
Classification: Likely benign. Last evaluated: 2022-06-13. Review status: criteria provided, single submitter. Criteria: Invitae Variant Classification Sherloc (09022015). Collection method: clinical testing. Allele origin: germline.

NM_001252024.2(TRPM1):c.4269A>G (p.Thr1423=)

Gene: TRPM1 (transient receptor potential cation channel subfamily M member 1; minus strand). Cytogenetic location: 15q13.3.
Variant type: single nucleotide variant.
Coding change: c.4269A>G on transcript NM_001252024.2 (MANE Select); coding-DNA position 4269, A replaced by G.
Protein change: p.Thr1423=; no amino-acid change (threonine 1423 retained).
Molecular consequence: synonymous variant.
Genome position (GRCh38, 1-based): chr15:31,002,431, T>C on the plus strand (A>G on the coding strand, the complement: TRPM1 is on the minus strand). VCF-style: chr15-31002431-T-C. GRCh37 (hg19) VCF-style: chr15-31294634-T-C.
Other names: c.4203A>G, p.Thr1401= (NM_002420.6); c.4320A>G, p.Thr1440= (NM_001252020.2); c.4320A>G (NM_001252020.1).
Identifiers: ClinVar variation 1143428 (VCV001143428.10), dbSNP rs376396655, ClinGen allele CA7451677.